The following is an entry in ClinVar:

NM_001232.4(CASQ2):c.738-109G>A

Gene: CASQ2 (calsequestrin 2; minus strand). Cytogenetic location: 1p13.1.
Variant type: single nucleotide variant.
Coding change: c.738-109G>A on transcript NM_001232.4 (MANE Select); 109 bases into the intron before coding-DNA position 738, G replaced by A.
Molecular consequence: intron variant.
Genome position (GRCh38, 1-based): chr1:115,725,662, C>T on the plus strand (G>A on the coding strand, the complement: CASQ2 is on the minus strand). VCF-style: chr1-115725662-C-T. GRCh37 (hg19) VCF-style: chr1-116268283-C-T.
Identifiers: ClinVar variation 671742 (VCV000671742.5), dbSNP rs4475752, ClinGen allele CA10779660.
Genomic context (GRCh38, chr1:115,725,662, plus strand): 5'-GATCACTGTGGCAGACACAGCAGCCACAGCATTATGAAATGTAAAATGAGATGATGCTTC[C>T]TTTGCAAGGCAGGGAGAGCCCTAAAAACCCACTTATCTTCTAAGGAAACAGACCTGCTCT-3'

ClinVar aggregate classification (germline): Benign. Review status: criteria provided, multiple submitters, no conflicts (2 of 4 stars). 3 submissions from 3 submitters: Benign (3). Last evaluated 2021-07-14.

Conditions:
Catecholaminergic polymorphic ventricular tachycardia 2. Also called: CASQ2-Related Catecholaminergic Polymorphic Ventricular Tachycardia; VENTRICULAR TACHYCARDIA, STRESS-INDUCED POLYMORPHIC 2. Identifiers: Orphanet 3286, MedGen C2677794, MONDO:0012762, OMIM 611938.

Allele frequency attached by ClinVar (database versions not stated): gnomAD 0.51757 and 0.52334; TOPMed 0.52471; gnomAD exomes 0.55699; 1000 Genomes Project 30x 0.56106; 1000 Genomes Project 0.56729.
gnomAD v4.1: 760,833 of 1,374,750 alleles (55%); highest among the groups gnomAD compares: East Asian, 67%; 212,122 homozygotes.

Submissions (3):

Genome-Nilou Lab
Classification: Benign for Catecholaminergic polymorphic ventricular tachycardia 2. Last evaluated: 2021-07-14. Review status: criteria provided, single submitter. Criteria: ACMG Guidelines, 2015. Collection method: clinical testing. Allele origin: germline. Affected: no.

GeneDx
Classification: Benign. Last evaluated: 2018-06-18. Review status: criteria provided, single submitter. Criteria: GeneDx Variant Classification (06012015). Collection method: clinical testing. Allele origin: germline. Affected: yes.
Comment: This variant is considered likely benign or benign based on one or more of the following criteria: it is a conservative change, it occurs at a poorly conserved position in the protein, it is predicted to be benign by multiple in silico algorithms, and/or has population frequency not consistent with disease.

Breakthrough Genomics
Classification: Benign. Review status: criteria provided, single submitter. Criteria: ACMG Guidelines, 2015. Collection method: not provided. Allele origin: germline. Inheritance: Autosomal recessive inheritance. Affected: yes.